The following is an entry in ClinVar:

NM_015386.3(COG4):c.529C>T (p.Arg177Ter)

Gene: COG4 (component of oligomeric golgi complex 4; minus strand). Cytogenetic location: 16q22.1.
Variant type: single nucleotide variant.
Coding change: c.529C>T on transcript NM_015386.3 (MANE Select); coding-DNA position 529, C replaced by T.
Protein change: p.Arg177Ter; replaces arginine 177 with a stop codon.
Molecular consequence: nonsense. On other transcripts: non-coding transcript variant (1).
Genome position (GRCh38, 1-based): chr16:70,514,350, G>A on the plus strand (C>T on the coding strand, the complement: COG4 is on the minus strand). VCF-style: chr16-70514350-G-A. GRCh37 (hg19) VCF-style: chr16-70548253-G-A.
Other names: c.517C>T, p.Arg173Ter (NM_001195139.2); c.103C>T, p.Arg35Ter (NM_001365426.1); short protein forms R177*, R173*, R35*.
Identifiers: ClinVar variation 208568 (VCV000208568.10), dbSNP rs376663459, ClinGen allele CA275987.
Genomic context (GRCh38, chr16:70,514,350, plus strand): 5'-AGATGATTTTAACTAAACTAAAAACCAACAGTTTCGGATGCTGACCCTCTTTGCCCTGTC[G>A]GCTGAGCTCAATGACCGACTTGTCCAGGCACAAGTAGCGATGAGTATGTGCTGCAGCCTG-3'

ClinVar aggregate classification (germline): Pathogenic/Likely pathogenic. Review status: criteria provided, multiple submitters, no conflicts (2 of 4 stars). 4 submissions from 4 submitters: Pathogenic (2); Likely pathogenic (2). Last evaluated 2026-01-06.

Conditions:
COG4-Related Disorders.
COG4-congenital disorder of glycosylation. Also called: COG4-CDG; CONGENITAL DISORDER OF GLYCOSYLATION, TYPE IIj; CDG IIj. Identifiers: Orphanet 263501, MedGen C4303552, MONDO:0013281, OMIM 613489.

Allele frequency attached by ClinVar (database versions not stated): gnomAD 0.00001; gnomAD exomes 0.00001; ExAC 0.00002; TOPMed 0.00002; ESP Exome Variant Server 0.00008.
gnomAD v4.1: 8 of 1,613,870 alleles (0.0005%); highest among the groups gnomAD compares: African/African-American, 0.0013%; no homozygotes.

Submissions (4):

Women's Health and Genetics/Laboratory Corporation of America, LabCorp
Classification: Pathogenic for COG4-Related Disorders. Last evaluated: 2026-01-06. Review status: criteria provided, single submitter. Criteria: LabCorp Variant Classification Summary - May 2015. Collection method: clinical testing. Allele origin: germline.
Comment: Variant summary: COG4 c.529C>T (p.Arg177X) results in a premature termination codon, predicted to cause a truncation of the encoded protein or absence of the protein due to nonsense mediated decay, which are commonly known mechanisms for disease. The variant allele was found at a frequency of 8e-06 in 251420 control chromosomes. To our knowledge, no occurrence of c.529C>T in individuals affected with COG4-related conditions and no experimental evidence demonstrating its impact on protein function have been reported. ClinVar contains an entry for this variant (Variation ID: 208568). Based on the evidence outlined above, the variant was classified as pathogenic.

3billion
Classification: Pathogenic for COG4-congenital disorder of glycosylation. Last evaluated: 2023-12-21. Review status: criteria provided, single submitter. Criteria: ACMG Guidelines, 2015. Collection method: clinical testing. Allele origin: germline. Affected: yes.
Comment: The variant is observed at an extremely low frequency in the gnomAD v2.1.1 dataset (total allele frequency: <0.001%). Predicted Consequence/Location: Stop-gained (nonsense): predicted to result in a loss or disruption of normal protein function through nonsense-mediated decay (NMD) or protein truncation. Multiple pathogenic variants are reported downstream of the variant. The variant has been reported at least twice as pathogenic without evidence for the classification (ClinVar ID: VCV000208568). Therefore, this variant is classified as Pathogenic according to the recommendation of ACMG/AMP guideline.

Revvity Omics, Revvity
Classification: Likely pathogenic. Last evaluated: 2022-05-02. Review status: criteria provided, single submitter. Criteria: ACMG Guidelines, 2015. Collection method: clinical testing. Allele origin: germline.

Laboratory for Molecular Medicine, Mass General Brigham Personalized Medicine
Classification: Likely pathogenic for Congenital disorder of glycosylation type 2J. Last evaluated: 2014-08-01. Review status: criteria provided, single submitter. Criteria: LMM Criteria. Collection method: clinical testing. Allele origin: germline. Inheritance: Autosomal recessive inheritance. Observed: 1 variant allele. Study: CSER-MedSeq.
Comment: The Arg177X variant in COG4 has not been previously reported in individuals with congenital disorders of glycosylation or in large population studies. This nonsense variant leads to a premature termination codon at position 177 which is predicted to lead to a truncated or absent protein. Loss-of-function variants in COG4 have been described in individuals with congenital disorder of glycosylation type II (Reynders 2009, Ng 2011). In summary, although additional studies are required to fully establish its clinical significance, theArg177X variant is likely pathogenic.

Literature cited by the submitters: PubMed 21185756 (cited by Laboratory for Molecular Medicine, Mass General Brigham Personalized Medicine); PubMed 19494034 (cited by Laboratory for Molecular Medicine, Mass General Brigham Personalized Medicine).